The following is an entry in ClinVar:

ClinVar aggregate classification (germline): Uncertain significance. Review status: criteria provided, multiple submitters, no conflicts (2 of 4 stars). 2 submissions from 2 submitters: Uncertain significance (2). Last evaluated 2024-03-25.

Conditions:
Hearing loss, autosomal dominant 37. Also called: DEAFNESS, AUTOSOMAL DOMINANT 37. Identifiers: MedGen C4760307, MONDO:0032802, OMIM 618533.

Allele frequency attached by ClinVar (database versions not stated): gnomAD exomes below 0.00001; ExAC 0.00001; gnomAD 0.00001.
gnomAD v4.1: 6 of 1,610,952 alleles (0.00037%); highest among the groups gnomAD compares: Admixed American, 0.0017%; no homozygotes.

Submissions (2):

Labcorp Genetics (formerly Invitae), Labcorp
Classification: Uncertain significance. Last evaluated: 2024-03-25. Review status: criteria provided, single submitter. Criteria: Invitae Variant Classification Sherloc (09022015). Collection method: clinical testing. Allele origin: germline.
Comment: This sequence change falls in intron 59 of the COL11A1 gene. It does not directly change the encoded amino acid sequence of the COL11A1 protein. This variant is present in population databases (rs750016803, gnomAD 0.0009%). This variant has not been reported in the literature in individuals affected with COL11A1-related conditions. ClinVar contains an entry for this variant (Variation ID: 1976978). Algorithms developed to predict the effect of sequence changes on RNA splicing suggest that this variant may disrupt the consensus splice site. In summary, the available evidence is currently insufficient to determine the role of this variant in disease. Therefore, it has been classified as a Variant of Uncertain Significance.

Laboratorio de Genetica e Diagnostico Molecular, Hospital Israelita Albert Einstein
Classification: Uncertain significance for Hearing loss, autosomal dominant 37. Last evaluated: 2022-12-30. Review status: criteria provided, single submitter. Criteria: ACMG Guidelines, 2015. Collection method: clinical testing. Allele origin: germline. Affected: yes.
Comment: ACMG classification criteria: PM2 moderated

NM_001854.4(COL11A1):c.4465-5T>G

Gene: COL11A1 (collagen type XI alpha 1 chain; minus strand). Cytogenetic location: 1p21.1.
Variant type: single nucleotide variant.
Coding change: c.4465-5T>G on transcript NM_001854.4 (MANE Select); 5 bases into the intron before coding-DNA position 4465, T replaced by G.
Molecular consequence: intron variant.
Genome position (GRCh38, 1-based): chr1:102,888,924, A>C on the plus strand (T>G on the coding strand, the complement: COL11A1 is on the minus strand). VCF-style: chr1-102888924-A-C. GRCh37 (hg19) VCF-style: chr1-103354480-A-C.
Other names: c.4348-5T>G (NM_001190709.1, NM_001190709.2); c.4501-5T>G (NM_080629.3); c.4117-5T>G (NM_080630.4).
Identifiers: ClinVar variation 1976978 (VCV001976978.7), dbSNP rs750016803, ClinGen allele CA973513.
Genomic context (GRCh38, chr1:102,888,924, plus strand): 5'-ACTGGTAAACCTGGAGGACCAGGTGGACCTAAGGGACCAGCAGGACCAGGAATTCCCTAG[A>C]GAGAGAATCAGCCAATTTAAAGGGATTTTCTCAGCTATTTCATTTTCATGTTTTCATAAC-3'